The following is an entry in ClinVar:

ClinVar aggregate classification (germline): Uncertain significance (1 of 4 stars; one submission).

Submission:

GeneDx
Classification: Uncertain significance. Last evaluated: 2024-03-16. Review status: criteria provided, single submitter. Criteria: GeneDx Variant Classification Process June 2021. Collection method: clinical testing. Allele origin: germline. Affected: yes.
Comment: Not observed at significant frequency in large population cohorts (gnomAD); In silico analysis supports that this missense variant has a deleterious effect on protein structure/function; Has not been previously published as pathogenic or benign to our knowledge

NM_002334.4(LRP4):c.1625G>A (p.Gly542Glu)

Gene: LRP4 (LDL receptor related protein 4; minus strand). Cytogenetic location: 11p11.2.
Variant type: single nucleotide variant.
Coding change: c.1625G>A on transcript NM_002334.4 (MANE Select); coding-DNA position 1625, G replaced by A.
Protein change: p.Gly542Glu; replaces glycine 542 with glutamic acid.
Molecular consequence: missense variant.
Genome position (GRCh38, 1-based): chr11:46,893,045, C>T on the plus strand (G>A on the coding strand, the complement: LRP4 is on the minus strand). VCF-style: chr11-46893045-C-T. GRCh37 (hg19) VCF-style: chr11-46914596-C-T.
Other names: short protein forms G542E.
Identifiers: ClinVar variation 3370937 (VCV003370937.1).